The following is an entry in ClinVar:

NM_001395656.1(ROBO2):c.676A>G (p.Thr226Ala)

Gene: ROBO2 (roundabout guidance receptor 2; plus strand). Cytogenetic location: 3p12.3.
Variant type: single nucleotide variant.
Coding change: c.676A>G on transcript NM_001395656.1 (MANE Select); coding-DNA position 676, A replaced by G.
Protein change: p.Thr226Ala; replaces threonine 226 with alanine.
Molecular consequence: missense variant. On other transcripts: 5 prime UTR variant (1).
Genome position (GRCh38, 1-based): chr3:77,493,252, A>G. VCF-style: chr3-77493252-A-G. GRCh37 (hg19) VCF-style: chr3-77542403-A-G.
Other names: c.724A>G, p.Thr242Ala (NM_001128929.3, NM_001378190.1, NM_001378191.1 and 5 more transcripts); c.676A>G, p.Thr226Ala (NM_001290039.2, NM_001290040.2, NM_001378193.1 and 3 more transcripts); c.-1243A>G (NM_001290065.2); c.745A>G, p.Thr249Ala (NM_001378192.1, NM_001378194.1, NM_001378198.1 and 5 more transcripts); short protein forms T226A, T242A, T249A.
Identifiers: ClinVar variation 995961 (VCV000995961.2), dbSNP rs2086360838, ClinGen allele CA353575101.

ClinVar aggregate classification (germline): Uncertain significance (1 of 4 stars; one submission).

Conditions:
Congenital anomaly of kidney and urinary tract. Also called: Congenital anomalies of the kidney and urinary tract; Congenital anomalies of kidney and urinary tract. Identifiers: Orphanet 93545, MedGen C1968949, MeSH C566906, MONDO:0019719.

Submission:

Institute of Human Genetics, University of Leipzig Medical Center
Classification: Uncertain significance for Congenital anomaly of kidney and urinary tract. Last evaluated: 2021-01-09. Review status: criteria provided, single submitter. Criteria: ACMG Guidelines, 2015. Collection method: curation. Allele origin: germline. Inheritance: Autosomal dominant inheritance with maternal imprinting. Affected: yes.
Comment: This ROBO2 variant was reported as Likely pathogenicâ€‹ in PMID: 24429398 with original nomenclature reported as c.724A>G, p.T242A. Variant was re-classified as Uncertain Significance based on the criteria PM2_Supporting.

Literature cited by the submitters: PubMed 24429398.